The following is an entry in ClinVar:

ClinVar aggregate classification (germline): Uncertain significance (1 of 4 stars; one submission).

gnomAD v4.1: 9 of 1,613,668 alleles (0.00056%); highest among the groups gnomAD compares: Non-Finnish European, 0.00068%; no homozygotes.

Submission:

GeneDx
Classification: Uncertain significance. Last evaluated: 2019-07-17. Review status: criteria provided, single submitter. Criteria: GeneDx Variant Classification Process June 2021. Collection method: clinical testing. Allele origin: germline. Affected: yes.
Comment: Not observed in large population cohorts (Lek et al., 2016); In silico analysis, which includes protein predictors and evolutionary conservation, supports a deleterious effect; Has not been previously published as pathogenic or benign to our knowledge

NM_001377142.1(PLCB4):c.2258G>C (p.Arg753Pro)

Gene: PLCB4 (phospholipase C beta 4; plus strand). Cytogenetic location: 20p12.2.
Variant type: single nucleotide variant.
Coding change: c.2258G>C on transcript NM_001377142.1 (MANE Select); coding-DNA position 2258, G replaced by C.
Protein change: p.Arg753Pro; replaces arginine 753 with proline.
Molecular consequence: missense variant.
Genome position (GRCh38, 1-based): chr20:9,421,400, G>C. VCF-style: chr20-9421400-G-C. GRCh37 (hg19) VCF-style: chr20-9402047-G-C.
Other names: c.2222G>C, p.Arg741Pro (NM_000933.4, NM_001377134.2, NM_001377135.1 and 2 more transcripts); c.2258G>C, p.Arg753Pro (NM_001172646.2, NM_001377143.1); short protein forms R741P, R753P.
Identifiers: ClinVar variation 1307097 (VCV001307097.2), dbSNP rs750632084, ClinGen allele CA408213353.
Genomic context (GRCh38, chr20:9,421,400, plus strand): 5'-ACGTAGAGGTGGATATGTATGGGTTGCCCACTGACACCATACGTAAGGAATTCCGAACTC[G>C]CATGGTTATGAATAATGGACTCAATCCAGTTTACAATGAAGAGTCATTTGTATTTCGGAA-3'
Protein context (NP_001364071.1, residues 743-763): TDTIRKEFRT[Arg753Pro]MVMNNGLNPV